The following is an entry in ClinVar:

NM_005045.4(RELN):c.7828A>C (p.Met2610Leu)

Gene: RELN (reelin; minus strand). Cytogenetic location: 7q22.1.
Variant type: single nucleotide variant.
Coding change: c.7828A>C on transcript NM_005045.4 (MANE Select); coding-DNA position 7828, A replaced by C.
Protein change: p.Met2610Leu; replaces methionine 2610 with leucine.
Molecular consequence: missense variant.
Genome position (GRCh38, 1-based): chr7:103,519,357, T>G on the plus strand (A>C on the coding strand, the complement: RELN is on the minus strand). VCF-style: chr7-103519357-T-G. GRCh37 (hg19) VCF-style: chr7-103159804-T-G.
Other names: c.7828A>C, p.Met2610Leu (NM_173054.3); short protein forms M2610L.
Identifiers: ClinVar variation 1040433 (VCV001040433.8), dbSNP rs200076453, ClinGen allele CA368764760.

ClinVar aggregate classification (germline): Uncertain significance (1 of 4 stars; one submission).

Conditions:
Norman-Roberts syndrome (LIS2). Also called: Lissencephaly 2 (Norman-Roberts type). Identifiers: Orphanet 89844, MedGen C0796089, MONDO:0009760, OMIM 257320.
Familial temporal lobe epilepsy 7. Identifiers: Orphanet 101046, MedGen C4225327, MONDO:0014639, OMIM 616436.

Submission:

Labcorp Genetics (formerly Invitae), Labcorp
Classification: Uncertain significance for Familial temporal lobe epilepsy 7; Norman-Roberts syndrome. Last evaluated: 2020-08-25. Review status: criteria provided, single submitter. Criteria: Invitae Variant Classification Sherloc (09022015). Collection method: clinical testing. Allele origin: germline.
Comment: This sequence change replaces methionine with leucine at codon 2610 of the RELN protein (p.Met2610Leu). The methionine residue is moderately conserved and there is a small physicochemical difference between methionine and leucine. This variant is not present in population databases (ExAC no frequency). This variant has not been reported in the literature in individuals with RELN-related conditions. Algorithms developed to predict the effect of missense changes on protein structure and function (SIFT, PolyPhen-2, Align-GVGD) all suggest that this variant is likely to be tolerated, but these predictions have not been confirmed by published functional studies and their clinical significance is uncertain. In summary, the available evidence is currently insufficient to determine the role of this variant in disease. Therefore, it has been classified as a Variant of Uncertain Significance.